The following is an entry in ClinVar:

NM_013266.4(CTNNA3):c.2589G>T (p.Lys863Asn)

Gene: CTNNA3 (catenin alpha 3; minus strand). Cytogenetic location: 10q21.3.
Variant type: single nucleotide variant.
Coding change: c.2589G>T on transcript NM_013266.4 (MANE Select); coding-DNA position 2589, G replaced by T.
Protein change: p.Lys863Asn; replaces lysine 863 with asparagine.
Molecular consequence: missense variant.
Genome position (GRCh38, 1-based): chr10:65,920,429, C>A on the plus strand (G>T on the coding strand, the complement: CTNNA3 is on the minus strand). VCF-style: chr10-65920429-C-A. GRCh37 (hg19) VCF-style: chr10-67680187-C-A.
Other names: c.2589G>T, p.Lys863Asn (NM_001127384.3); short protein forms K863N.
Identifiers: ClinVar variation 1014294 (VCV001014294.8), dbSNP rs1564515685, ClinGen allele CA377088787.

ClinVar aggregate classification (germline): Uncertain significance (1 of 4 stars; one submission).

Conditions:
Arrhythmogenic right ventricular dysplasia 13. Also called: ARRHYTHMOGENIC RIGHT VENTRICULAR CARDIOMYOPATHY 13; Arrhythmogenic right ventricular dysplasia, familial, 13. Identifiers: MedGen C3810138, MONDO:0000908, OMIM 615616.

Submission:

Labcorp Genetics (formerly Invitae), Labcorp
Classification: Uncertain significance for Arrhythmogenic right ventricular dysplasia 13. Last evaluated: 2020-08-14. Review status: criteria provided, single submitter. Criteria: Invitae Variant Classification Sherloc (09022015). Collection method: clinical testing. Allele origin: germline.
Comment: This sequence change replaces lysine with asparagine at codon 863 of the CTNNA3 protein (p.Lys863Asn). The lysine residue is moderately conserved and there is a moderate physicochemical difference between lysine and asparagine. This variant is not present in population databases (ExAC no frequency). This variant has not been reported in the literature in individuals with CTNNA3-related conditions. Algorithms developed to predict the effect of missense changes on protein structure and function are either unavailable or do not agree on the potential impact of this missense change (SIFT: "Deleterious"; PolyPhen-2: "Not Available"; Align-GVGD: "Class C0"). In summary, the available evidence is currently insufficient to determine the role of this variant in disease. Therefore, it has been classified as a Variant of Uncertain Significance.